The following is an entry in ClinVar:

NM_181552.4(CUX1):c.4110G>A (p.Ala1370=)

Gene: CUX1 (cut like homeobox 1; plus strand). Cytogenetic location: 7q22.1.
Variant type: single nucleotide variant.
Coding change: c.4110G>A on transcript NM_181552.4 (MANE Select); coding-DNA position 4110, G replaced by A.
Protein change: p.Ala1370=; no amino-acid change (alanine 1370 retained).
Molecular consequence: synonymous variant. On other transcripts: intron variant (5).
Genome position (GRCh38, 1-based): chr7:102,248,634, G>A. VCF-style: chr7-102248634-G-A. GRCh37 (hg19) VCF-style: chr7-101891914-G-A.
Other names: c.4143G>A, p.Ala1381= (NM_001202543.2); c.1256-24732G>A (NM_001913.5); c.1250-24732G>A (NM_181500.4); c.1118-24732G>A (NM_001202545.3); c.1208-24732G>A (NM_001202544.3); c.1139-24732G>A (NM_001202546.3).
Identifiers: ClinVar variation 3044690 (VCV003044690.8), dbSNP rs1432553811, ClinGen allele CA456930824.
Genomic context (GRCh38, chr7:102,248,634, plus strand): 5'-CGACACCGAGGAGCCCAAGTCTCAGGGAGAGGCCGAGCGGGAGGAGGTGCCGCGGCCGGC[G>A]GAGCAGACGGAGCCGCCGCCCTCGGGGACCCCGGGCCCGGACGACGCCCGCGACGACGAC-3'
Protein context (NP_853530.2, residues 1360-1380): EAEREEVPRP[Ala1370=]EQTEPPPSGT

ClinVar aggregate classification (germline): Likely benign. Review status: criteria provided, single submitter (1 of 4 stars). 2 submissions from 2 submitters: Likely benign (1). 1 of the submissions does not count toward it. Last evaluated 2025-10-01.

Conditions:
CUX1-related disorder. Also called: CUX1-related condition.

Allele frequency attached by ClinVar (database versions not stated): gnomAD 0.00001; TOPMed 0.00002; gnomAD exomes 0.00003.
gnomAD v4.1: 40 of 1,398,218 alleles (0.0029%); highest among the groups gnomAD compares: Non-Finnish European, 0.0034%; no homozygotes.

Submissions (2):

CeGaT Center for Human Genetics Tuebingen
Classification: Likely benign. Last evaluated: 2025-10-01. Review status: criteria provided, single submitter. Criteria: CeGaT Center For Human Genetics Tuebingen Variant Classification Criteria Version 2. Collection method: clinical testing. Allele origin: germline. Affected: yes. Observed: 1 variant allele.
Comment: CUX1: BP4, BP7

PreventionGenetics, part of Exact Sciences
Classification: Likely benign for CUX1-related condition. Last evaluated: 2019-06-04. Review status: no assertion criteria provided. Collection method: clinical testing. Allele origin: germline. Not counted in ClinVar's aggregate classification.
Comment: This variant is classified as likely benign based on ACMG/AMP sequence variant interpretation guidelines (Richards et al. 2015 PMID: 25741868, with internal and published modifications).